The following is an entry in ClinVar:

NM_000202.8(IDS):c.1364G>T (p.Gly455Val)

Gene: IDS (iduronate 2-sulfatase; minus strand). Cytogenetic location: Xq28.
Variant type: single nucleotide variant.
Coding change: c.1364G>T on transcript NM_000202.8 (MANE Select); coding-DNA position 1364, G replaced by T.
Protein change: p.Gly455Val; replaces glycine 455 with valine.
Molecular consequence: missense variant.
Genome position (GRCh38, 1-based): chrX:149,483,035, C>A on the plus strand (G>T on the coding strand, the complement: IDS is on the minus strand). VCF-style: chrX-149483035-C-A. GRCh37 (hg19) VCF-style: chrX-148564566-C-A.
Other names: c.1094G>T, p.Gly365Val (NM_001166550.4); short protein forms G365V, G455V.
Identifiers: ClinVar variation 2110886 (VCV002110886.2), dbSNP rs2520756235, ClinGen allele CA414518246.

ClinVar aggregate classification (germline): Uncertain significance (1 of 4 stars; one submission).

Conditions:
Mucopolysaccharidosis, MPS-II (MPS2). Also called: Attenuated MPS (subtype; formerly known as mild MPS II); Severe MPS II; I2S deficiency; MPS 2; Hunter Syndrome; Mucopolysaccharidosis with skin involvement. Identifiers: Orphanet 580, Orphanet 79388, MedGen C0026705, MONDO:0010674, OMIM 309900.

Submission:

Labcorp Genetics (formerly Invitae), Labcorp
Classification: Uncertain significance for Mucopolysaccharidosis, MPS-II. Last evaluated: 2022-03-13. Review status: criteria provided, single submitter. Criteria: Invitae Variant Classification Sherloc (09022015). Collection method: clinical testing. Allele origin: germline.
Comment: In summary, the available evidence is currently insufficient to determine the role of this variant in disease. Therefore, it has been classified as a Variant of Uncertain Significance. Algorithms developed to predict the effect of missense changes on protein structure and function are either unavailable or do not agree on the potential impact of this missense change (SIFT: "Deleterious"; PolyPhen-2: "Benign"; Align-GVGD: "Class C0"). This variant has not been reported in the literature in individuals affected with IDS-related conditions. This variant is not present in population databases (gnomAD no frequency). This sequence change replaces glycine, which is neutral and non-polar, with valine, which is neutral and non-polar, at codon 455 of the IDS protein (p.Gly455Val).